The following is an entry in ClinVar:

ClinVar aggregate classification (germline): Conflicting classifications of pathogenicity. Review status: criteria provided, conflicting classifications (1 of 4 stars). 2 submissions from 2 submitters: Likely pathogenic (1); Uncertain significance (1). Last evaluated 2021-11-05.

Conditions:
Familial thoracic aortic aneurysm and aortic dissection (TAAD). Also called: Thoracic aortic aneurysms and dissections. Identifiers: Orphanet 91387, MedGen C4707243, MONDO:0019625.

Submissions (2):

Labcorp Genetics (formerly Invitae), Labcorp
Classification: Uncertain significance for Familial thoracic aortic aneurysm and aortic dissection. Last evaluated: 2021-11-05. Review status: criteria provided, single submitter. Criteria: Invitae Variant Classification Sherloc (09022015). Collection method: clinical testing. Allele origin: germline.
Comment: This sequence change replaces isoleucine, which is neutral and non-polar, with asparagine, which is neutral and polar, at codon 396 of the SMAD3 protein (p.Ile396Asn). This variant is not present in population databases (gnomAD no frequency). This variant has not been reported in the literature in individuals affected with SMAD3-related conditions. Advanced modeling of protein sequence and biophysical properties (such as structural, functional, and spatial information, amino acid conservation, physicochemical variation, residue mobility, and thermodynamic stability) performed at Invitae indicates that this missense variant is expected to disrupt SMAD3 protein function. In summary, the available evidence is currently insufficient to determine the role of this variant in disease. Therefore, it has been classified as a Variant of Uncertain Significance.

Ambry Genetics
Classification: Likely pathogenic for Familial thoracic aortic aneurysm and aortic dissection. Last evaluated: 2020-11-17. Review status: criteria provided, single submitter. Criteria: Ambry Variant Classification Scheme 2023. Collection method: clinical testing. Allele origin: germline.
Comment: The p.I396N variant (also known as c.1187T>A), located in coding exon 9 of the SMAD3 gene, results from a T to A substitution at nucleotide position 1187. The isoleucine at codon 396 is replaced by asparagine, an amino acid with dissimilar properties. This variant was not reported in population-based cohorts in the Genome Aggregation Database (gnomAD). This missense alteration is located in a region that has a low rate of benign missense variation (Lek M et al. Nature. 2016 Aug 18;536(7616):285-91; DECIPHER: Database of Chromosomal Imbalance and Phenotype in Humans using Ensembl Resources. Firth H.V. et al. 2009. Am.J.Hum.Genet. 84, 524-533 (DOI)). This amino acid position is highly conserved in available vertebrate species. In addition, this alteration is predicted to be deleterious by in silico analysis. Based on the majority of available evidence to date, this variant is likely to be pathogenic.

NM_005902.4(SMAD3):c.1187T>A (p.Ile396Asn)

Gene: SMAD3 (SMAD family member 3; plus strand). Cytogenetic location: 15q22.33.
Variant type: single nucleotide variant.
Coding change: c.1187T>A on transcript NM_005902.4 (MANE Select); coding-DNA position 1187, T replaced by A.
Protein change: p.Ile396Asn; replaces isoleucine 396 with asparagine.
Molecular consequence: missense variant.
Genome position (GRCh38, 1-based): chr15:67,190,445, T>A. VCF-style: chr15-67190445-T-A. GRCh37 (hg19) VCF-style: chr15-67482783-T-A.
Other names: c.872T>A, p.Ile291Asn (NM_001145102.2); c.1055T>A, p.Ile352Asn (NM_001145103.2); c.602T>A, p.Ile201Asn (NM_001145104.2); short protein forms I201N, I291N, I352N, I396N.
Identifiers: ClinVar variation 1462348 (VCV001462348.8), dbSNP rs1595965957, ClinGen allele CA392958728.